The following is an entry in ClinVar:

NM_001164508.2(NEB):c.19613A>T (p.Asp6538Val)

Genes: NEB (nebulin; minus strand), LOC126806373 (BRD4-independent group 4 enhancer GRCh37_chr2:152410007-152411206; plus strand). Cytogenetic location: 2q23.3.
Variant type: single nucleotide variant.
Coding change: c.19613A>T on transcript NM_001164508.2 (MANE Select); coding-DNA position 19613, A replaced by T.
Protein change: p.Asp6538Val; replaces aspartic acid 6538 with valine.
Molecular consequence: missense variant.
Genome position (GRCh38, 1-based): chr2:151,553,841, T>A on the plus strand (A>T on the coding strand, the complement: NEB is on the minus strand). VCF-style: chr2-151553841-T-A. GRCh37 (hg19) VCF-style: chr2-152410355-T-A.
Other names: c.19613A>T, p.Asp6538Val (NM_001164507.2, NM_001271208.2); c.14510A>T, p.Asp4837Val (NM_004543.5); short protein forms D4837V, D6538V.
Identifiers: ClinVar variation 659940 (VCV000659940.15), dbSNP rs747034126, ClinGen allele CA1907601.

ClinVar aggregate classification (germline): Conflicting classifications of pathogenicity. Review status: criteria provided, conflicting classifications (1 of 4 stars). 3 submissions from 3 submitters: Uncertain significance (1); Likely benign (1). 1 of the submissions does not count toward it. Last evaluated 2025-07-22.

Conditions:
Nemaline myopathy 2 (NEM2). Also called: Nemaline myopathy 2, autosomal recessive. Identifiers: MedGen C1850569, MONDO:0009725, OMIM 256030.

Allele frequency attached by ClinVar (database versions not stated): ExAC 0.00001; gnomAD exomes 0.00001; TOPMed 0.00001.
gnomAD v4.1: 4 of 1,612,390 alleles (0.00025%); highest among the groups gnomAD compares: Admixed American, 0.0067%; no homozygotes.

Submissions (3):

Labcorp Genetics (formerly Invitae), Labcorp
Classification: Likely benign for Nemaline myopathy 2. Last evaluated: 2025-07-22. Review status: criteria provided, single submitter. Criteria: Invitae Variant Classification Sherloc (09022015). Collection method: clinical testing. Allele origin: germline.

GeneDx
Classification: Uncertain significance. Last evaluated: 2022-06-28. Review status: criteria provided, single submitter. Criteria: GeneDx Variant Classification Process June 2021. Collection method: clinical testing. Allele origin: germline. Affected: yes.
Comment: Not observed at significant frequency in large population cohorts (gnomAD); In silico analysis supports that this missense variant has a deleterious effect on protein structure/function; Has not been previously published as pathogenic or benign to our knowledge

Natera, Inc.
Classification: Uncertain significance for Nemaline myopathy type 2. Last evaluated: 2021-08-03. Review status: no assertion criteria provided. Collection method: clinical testing. Allele origin: germline. Not counted in ClinVar's aggregate classification.